The following is an entry in ClinVar:

NM_013336.4(SEC61A1):c.1390G>A (p.Glu464Lys)

Genes: RUVBL1 (RuvB like AAA ATPase 1; minus strand), SEC61A1 (SEC61 translocon subunit alpha 1; plus strand). Cytogenetic location: 3q21.3.
Variant type: single nucleotide variant.
Coding change: c.1390G>A on transcript NM_013336.4 (MANE Select); coding-DNA position 1390, G replaced by A.
Protein change: p.Glu464Lys; replaces glutamic acid 464 with lysine.
Molecular consequence: missense variant. On other transcripts: intron variant (1).
Genome position (GRCh38, 1-based): chr3:128,069,621, G>A. VCF-style: chr3-128069621-G-A. GRCh37 (hg19) VCF-style: chr3-127788464-G-A.
Other names: c.1408G>A, p.Glu470Lys (NM_001400328.1); c.1231G>A, p.Glu411Lys (NM_001400329.1); c.940-4401C>T (NM_001319086.1); short protein forms E411K, E470K, E464K.
Identifiers: ClinVar variation 2188022 (VCV002188022.3), dbSNP rs1404322641, ClinGen allele CA354403614.

ClinVar aggregate classification (germline): Uncertain significance (1 of 4 stars; one submission).

Allele frequency attached by ClinVar (database versions not stated): TOPMed 0.00001; gnomAD 0.00001; gnomAD exomes below 0.00001.
gnomAD v4.1: 4 of 1,614,028 alleles (0.00025%); highest among the groups gnomAD compares: Non-Finnish European, 0.00034%; no homozygotes.

Submission:

Labcorp Genetics (formerly Invitae), Labcorp
Classification: Uncertain significance. Last evaluated: 2022-08-10. Review status: criteria provided, single submitter. Criteria: Invitae Variant Classification Sherloc (09022015). Collection method: clinical testing. Allele origin: germline.
Comment: This variant is not present in population databases (gnomAD no frequency). In summary, the available evidence is currently insufficient to determine the role of this variant in disease. Therefore, it has been classified as a Variant of Uncertain Significance. Algorithms developed to predict the effect of missense changes on protein structure and function (SIFT, PolyPhen-2, Align-GVGD) all suggest that this variant is likely to be disruptive. This variant has not been reported in the literature in individuals affected with SEC61A1-related conditions. This sequence change replaces glutamic acid, which is acidic and polar, with lysine, which is basic and polar, at codon 464 of the SEC61A1 protein (p.Glu464Lys).